The following is an entry in ClinVar:

NM_032444.4(SLX4):c.860G>T (p.Ser287Ile)

Gene: SLX4 (SLX4 structure-specific endonuclease subunit; minus strand). Cytogenetic location: 16p13.3.
Variant type: single nucleotide variant.
Coding change: c.860G>T on transcript NM_032444.4 (MANE Select); coding-DNA position 860, G replaced by T.
Protein change: p.Ser287Ile; replaces serine 287 with isoleucine.
Molecular consequence: missense variant.
Genome position (GRCh38, 1-based): chr16:3,602,208, C>A on the plus strand (G>T on the coding strand, the complement: SLX4 is on the minus strand). VCF-style: chr16-3602208-C-A. GRCh37 (hg19) VCF-style: chr16-3652209-C-A.
Other names: short protein forms S287I.
Identifiers: ClinVar variation 1039032 (VCV001039032.6), dbSNP rs1264580208, ClinGen allele CA394532345.

ClinVar aggregate classification (germline): Uncertain significance (1 of 4 stars; one submission).

Conditions:
Fanconi anemia (FA). Also called: Fanconi's anemia. Identifiers: Orphanet 84, MedGen C0015625, MeSH D005199, MONDO:0019391.

Allele frequency attached by ClinVar (database versions not stated): gnomAD exomes 0.00001.
gnomAD v4.1: 2 of 1,614,106 alleles (0.00012%); highest among the groups gnomAD compares: East Asian, 0.0045%; no homozygotes.

Submission:

Labcorp Genetics (formerly Invitae), Labcorp
Classification: Uncertain significance for Fanconi anemia. Last evaluated: 2025-07-21. Review status: criteria provided, single submitter. Criteria: Invitae Variant Classification Sherloc (09022015). Collection method: clinical testing. Allele origin: germline.
Comment: This sequence change replaces serine, which is neutral and polar, with isoleucine, which is neutral and non-polar, at codon 287 of the SLX4 protein (p.Ser287Ile). This variant is present in population databases (no rsID available, gnomAD 0.01%). This variant has not been reported in the literature in individuals affected with SLX4-related conditions. ClinVar contains an entry for this variant (Variation ID: 1039032). An algorithm developed to predict the effect of missense changes on protein structure and function (PolyPhen-2) suggests that this variant is likely to be disruptive. In summary, the available evidence is currently insufficient to determine the role of this variant in disease. Therefore, it has been classified as a Variant of Uncertain Significance.